The following is an entry in ClinVar:

NM_001130438.3(SPTAN1):c.277C>T (p.Gln93Ter)

Gene: SPTAN1 (spectrin alpha, non-erythrocytic 1; plus strand). Cytogenetic location: 9q34.11.
Variant type: single nucleotide variant.
Coding change: c.277C>T on transcript NM_001130438.3 (MANE Select); coding-DNA position 277, C replaced by T.
Protein change: p.Gln93Ter; replaces glutamine 93 with a stop codon.
Molecular consequence: nonsense.
Genome position (GRCh38, 1-based): chr9:128,568,811, C>T. VCF-style: chr9-128568811-C-T. GRCh37 (hg19) VCF-style: chr9-131331090-C-T.
Other names: c.277C>T, p.Gln93Ter (NM_001195532.2, NM_001363759.2, NM_001363765.2 and 5 more transcripts); c.313C>T, p.Gln105Ter (NM_001375312.2, NM_001375318.1); short protein forms Q105*, Q93*.
Identifiers: ClinVar variation 3603012 (VCV003603012.2).

ClinVar aggregate classification (germline): Pathogenic (1 of 4 stars; one submission).

Submission:

GeneDx
Classification: Pathogenic. Last evaluated: 2025-02-10. Review status: criteria provided, single submitter. Criteria: GeneDx Variant Classification Process June 2021. Collection method: clinical testing. Allele origin: germline.
Comment: Nonsense variant predicted to result in protein truncation or nonsense mediated decay in a gene for which loss of function is a known mechanism of disease; Not observed at significant frequency in large population cohorts (gnomAD); Has not been previously published as pathogenic or benign to our knowledge